The following is an entry in ClinVar:

ClinVar aggregate classification (germline): Uncertain significance (1 of 4 stars; one submission).

Submission:

GeneDx
Classification: Uncertain significance. Last evaluated: 2019-11-05. Review status: criteria provided, single submitter. Criteria: GeneDx Variant Classification Process June 2021. Collection method: clinical testing. Allele origin: germline. Affected: yes.
Comment: Not observed in large population cohorts (Lek et al., 2016); In silico analysis, which includes protein predictors and evolutionary conservation, supports that this variant does not alter protein structure/function; Has not been previously published as pathogenic or benign to our knowledge

NM_001379451.1(BCORL1):c.5263C>A (p.Pro1755Thr)

Gene: BCORL1 (BCL6 corepressor like 1; plus strand). Cytogenetic location: Xq26.1.
Variant type: single nucleotide variant.
Coding change: c.5263C>A on transcript NM_001379451.1 (MANE Select); coding-DNA position 5263, C replaced by A.
Protein change: p.Pro1755Thr; replaces proline 1755 with threonine.
Molecular consequence: missense variant.
Genome position (GRCh38, 1-based): chrX:130,056,041, C>A. VCF-style: chrX-130056041-C-A. GRCh37 (hg19) VCF-style: chrX-129190016-C-A.
Other names: c.5263C>A, p.Pro1755Thr (NM_001184772.3, NM_001379450.1); c.5041C>A, p.Pro1681Thr (NM_021946.5); short protein forms P1681T, P1755T.
Identifiers: ClinVar variation 1310139 (VCV001310139.2), dbSNP rs2124596660, ClinGen allele CA414559285.